The following is an entry in ClinVar:

ClinVar aggregate classification (germline): Uncertain significance. Review status: criteria provided, multiple submitters, no conflicts (2 of 4 stars). 2 submissions from 2 submitters: Uncertain significance (2). Last evaluated 2025-10-24.

Conditions:
Hereditary cancer-predisposing syndrome. Also called: Neoplastic Syndromes, Hereditary; Tumor predisposition; Hereditary neoplastic syndrome; Hereditary Cancer Syndrome. Identifiers: Orphanet 140162, MedGen C0027672, MeSH D009386, MONDO:0015356.
Gorlin syndrome. Also called: Basal cell nevus syndrome; Nevoid Basal Cell Carcinoma Syndrome. Identifiers: Orphanet 377, MedGen C0004779, MONDO:0007187.

Submissions (2):

Ambry Genetics
Classification: Uncertain significance for Hereditary cancer-predisposing syndrome. Last evaluated: 2025-10-24. Review status: criteria provided, single submitter. Criteria: Ambry Variant Classification Scheme 2023. Collection method: clinical testing. Allele origin: germline.
Comment: The p.T211S variant (also known as c.631A>T), located in coding exon 4 of the PTCH1 gene, results from an A to T substitution at nucleotide position 631. The threonine at codon 211 is replaced by serine, an amino acid with similar properties. This amino acid position is highly conserved in available vertebrate species. In addition, the in silico prediction for this alteration is inconclusive. Based on the available evidence, the clinical significance of this variant remains unclear.

Labcorp Genetics (formerly Invitae), Labcorp
Classification: Uncertain significance for Gorlin syndrome. Last evaluated: 2025-09-15. Review status: criteria provided, single submitter. Criteria: Invitae Variant Classification Sherloc (09022015). Collection method: clinical testing. Allele origin: germline.
Comment: This sequence change replaces threonine, which is neutral and polar, with serine, which is neutral and polar, at codon 211 of the PTCH1 protein (p.Thr211Ser). This variant is not present in population databases (gnomAD no frequency). This variant has not been reported in the literature in individuals affected with PTCH1-related conditions. ClinVar contains an entry for this variant (Variation ID: 2911465). Invitae Evidence Modeling of protein sequence and biophysical properties (such as structural, functional, and spatial information, amino acid conservation, physicochemical variation, residue mobility, and thermodynamic stability) has been performed for this missense variant. However, the output from this modeling did not meet the statistical confidence thresholds required to predict the impact of this variant on PTCH1 protein function. In summary, the available evidence is currently insufficient to determine the role of this variant in disease. Therefore, it has been classified as a Variant of Uncertain Significance.

NM_000264.5(PTCH1):c.631A>T (p.Thr211Ser)

Gene: PTCH1 (patched 1; minus strand). Cytogenetic location: 9q22.32.
Variant type: single nucleotide variant.
Coding change: c.631A>T on transcript NM_000264.5 (MANE Select); coding-DNA position 631, A replaced by T.
Protein change: p.Thr211Ser; replaces threonine 211 with serine.
Molecular consequence: missense variant. On other transcripts: non-coding transcript variant (1).
Genome position (GRCh38, 1-based): chr9:95,482,157, T>A on the plus strand (A>T on the coding strand, the complement: PTCH1 is on the minus strand). VCF-style: chr9-95482157-T-A. GRCh37 (hg19) VCF-style: chr9-98244439-T-A.
Other names: c.433A>T, p.Thr145Ser (NM_001083602.3, NM_001354919.2); c.628A>T, p.Thr210Ser (NM_001083603.3); c.178A>T, p.Thr60Ser (NM_001083604.3, NM_001083605.3, NM_001083606.3 and 1 more transcripts); c.631A>T, p.Thr211Ser (NM_001354918.2); short protein forms T145S, T211S, T210S, T60S.
Identifiers: ClinVar variation 2911465 (VCV002911465.4), dbSNP rs776773031, ClinGen allele CA374115060.